The following is an entry in ClinVar:

NM_021116.4(ADCY1):c.3262C>A (p.Pro1088Thr)

Gene: ADCY1 (adenylate cyclase 1; plus strand). Cytogenetic location: 7p12.3.
Variant type: single nucleotide variant.
Coding change: c.3262C>A on transcript NM_021116.4 (MANE Select); coding-DNA position 3262, C replaced by A.
Protein change: p.Pro1088Thr; replaces proline 1088 with threonine.
Molecular consequence: missense variant.
Genome position (GRCh38, 1-based): chr7:45,713,897, C>A. VCF-style: chr7-45713897-C-A. GRCh37 (hg19) VCF-style: chr7-45753496-C-A.
Other names: short protein forms P1088T.
Identifiers: ClinVar variation 930133 (VCV000930133.7), dbSNP rs548312101, ClinGen allele CA4249464.

ClinVar aggregate classification (germline): Uncertain significance. Review status: criteria provided, multiple submitters, no conflicts (2 of 4 stars). 2 submissions from 2 submitters: Uncertain significance (2). Last evaluated 2024-01-25.

Allele frequency attached by ClinVar (database versions not stated): TOPMed 0.00001.
gnomAD v4.1: 24 of 780,558 alleles (0.0031%); highest among the groups gnomAD compares: Admixed American, 0.01%; no homozygotes.

Submissions (2):

Labcorp Genetics (formerly Invitae), Labcorp
Classification: Uncertain significance. Last evaluated: 2024-01-25. Review status: criteria provided, single submitter. Criteria: Invitae Variant Classification Sherloc (09022015). Collection method: clinical testing. Allele origin: germline.
Comment: This sequence change replaces proline, which is neutral and non-polar, with threonine, which is neutral and polar, at codon 1088 of the ADCY1 protein (p.Pro1088Thr). This variant is present in population databases (rs548312101, gnomAD 0.01%). This variant has not been reported in the literature in individuals affected with ADCY1-related conditions. ClinVar contains an entry for this variant (Variation ID: 930133). An algorithm developed to predict the effect of missense changes on protein structure and function (PolyPhen-2) suggests that this variant is likely to be tolerated. In summary, the available evidence is currently insufficient to determine the role of this variant in disease. Therefore, it has been classified as a Variant of Uncertain Significance.

Laboratory for Molecular Medicine, Mass General Brigham Personalized Medicine
Classification: Uncertain significance. Last evaluated: 2019-07-25. Review status: criteria provided, single submitter. Criteria: LMM Criteria. Collection method: clinical testing. Allele origin: germline. Observed: 1 variant allele.
Comment: Variant classified as Uncertain Significance - Favor Benign. The p.Pro1088Thr variant in ADCY1 has not been previously reported in individuals with hearing loss but has been identified in 0.01% 4/34590 of Latino chromosomes by gnomAD. Computational prediction tools and conservation analysis suggest that this variant may not impact the protein, though this information is not predictive enough to rule out pathogenicity. In summary, the clinical significance of this variant is uncertain. ACMG/AMP Criteria applied: PM2_Supporting, BP4.